The following is an entry in ClinVar:

ClinVar aggregate classification (germline): Uncertain significance (1 of 4 stars; one submission).

Allele frequency attached by ClinVar (database versions not stated): gnomAD 0.00001; gnomAD exomes 0.00001; TOPMed 0.00001; ExAC 0.00002.

Submission:

Labcorp Genetics (formerly Invitae), Labcorp
Classification: Uncertain significance. Last evaluated: 2022-06-09. Review status: criteria provided, single submitter. Criteria: Invitae Variant Classification Sherloc (09022015). Collection method: clinical testing. Allele origin: germline.
Comment: In summary, the available evidence is currently insufficient to determine the role of this variant in disease. Therefore, it has been classified as a Variant of Uncertain Significance. Algorithms developed to predict the effect of missense changes on protein structure and function are either unavailable or do not agree on the potential impact of this missense change (SIFT: "Not Available"; PolyPhen-2: "Benign"; Align-GVGD: "Not Available"). This variant has not been reported in the literature in individuals affected with FBN3-related conditions. This variant is present in population databases (rs371800341, gnomAD 0.02%). This sequence change replaces arginine, which is basic and polar, with cysteine, which is neutral and slightly polar, at codon 2738 of the FBN3 protein (p.Arg2738Cys).

NM_032447.5(FBN3):c.8212C>T (p.Arg2738Cys)

Gene: FBN3 (fibrillin 3; minus strand). Cytogenetic location: 19p13.2.
Variant type: single nucleotide variant.
Coding change: c.8212C>T on transcript NM_032447.5 (MANE Select); coding-DNA position 8212, C replaced by T.
Protein change: p.Arg2738Cys; replaces arginine 2738 with cysteine.
Molecular consequence: missense variant.
Genome position (GRCh38, 1-based): chr19:8,066,137, G>A on the plus strand (C>T on the coding strand, the complement: FBN3 is on the minus strand). VCF-style: chr19-8066137-G-A. GRCh37 (hg19) VCF-style: chr19-8131021-G-A.
Other names: c.8212C>T, p.Arg2738Cys (NM_001321431.2); short protein forms R2738C.
Identifiers: ClinVar variation 2145605 (VCV002145605.4), dbSNP rs371800341, ClinGen allele CA9150599.